The following is an entry in ClinVar:

ClinVar aggregate classification (germline): Conflicting classifications of pathogenicity. Review status: criteria provided, conflicting classifications (1 of 4 stars). 14 submissions from 14 submitters: Uncertain significance (6); Benign (1); Likely benign (5). 2 of the submissions do not count toward it. Last evaluated 2026-01-30.

Conditions:
APC-related disorder. Also called: APC-related condition.
Classic or attenuated familial adenomatous polyposis. Identifiers: MedGen CN372698, MONDO:0021057.
Hereditary cancer-predisposing syndrome. Also called: Hereditary neoplastic syndrome; Hereditary Cancer Syndrome; Neoplastic Syndromes, Hereditary; Tumor predisposition. Identifiers: Orphanet 140162, MedGen C0027672, MeSH D009386, MONDO:0015356.
Familial adenomatous polyposis 1 (FAP1). Also called: FAMILIAL ADENOMATOUS POLYPOSIS 1, ATTENUATED; POLYPOSIS, ADENOMATOUS INTESTINAL. Identifiers: MedGen C2713442, MONDO:0021056, OMIM 175100. Disease mechanism: loss of function.

Allele frequency attached by ClinVar (database versions not stated): gnomAD exomes 0.00007 and 0.00009; ExAC 0.00009; TOPMed 0.00010; gnomAD 0.00011; ESP Exome Variant Server 0.00031.
gnomAD v4.1: 139 of 1,613,996 alleles (0.0086%); highest among the groups gnomAD compares: Non-Finnish European, 0.011%; no homozygotes.

Submissions (14):

Labcorp Genetics (formerly Invitae), Labcorp
Classification: Likely benign for Familial adenomatous polyposis 1. Last evaluated: 2026-01-30. Review status: criteria provided, single submitter. Criteria: Invitae Variant Classification Sherloc (09022015). Collection method: clinical testing. Allele origin: germline.

Quest Diagnostics Nichols Institute San Juan Capistrano
Classification: Uncertain significance. Last evaluated: 2024-10-29. Review status: criteria provided, single submitter. Criteria: Quest Diagnostics criteria. Collection method: clinical testing. Allele origin: unknown.
Comment: The APC c.277C>G (p.Leu93Val) variant has been reported in the published literature in individuals with suspected Lynch Syndrome (PMID: 25980754 (2015)), breast cancer (PMID: 25186627 (2015)), and pancreatic cancer (PMID: 25479140 (2015)). The frequency of this variant in the general population, 0.00013 (17/129176 chromosomes in European (Non-Finnish) subpopulation (Genome Aggregation Database)), is higher than would generally be expected for pathogenic variants in this gene. Analysis of this variant using bioinformatics tools for the prediction of the effect of amino acid changes on protein structure and function yielded predictions that this variant is benign. Based on the available information, we are unable to determine the clinical significance of this variant.

Molecular Pathology, Peter Maccallum Cancer Centre
Classification: Likely benign for Familial adenomatous polyposis 1. Last evaluated: 2024-10-18. Review status: criteria provided, single submitter. Criteria: ACMG Guidelines, 2015. Collection method: clinical testing. Allele origin: germline. Inheritance: Autosomal dominant inheritance.

Color Diagnostics, LLC DBA Color Health
Classification: Likely benign for Hereditary cancer-predisposing syndrome. Last evaluated: 2024-09-24. Review status: criteria provided, single submitter. Criteria: ACMG Guidelines, 2015. Collection method: clinical testing. Allele origin: germline.

Institute for Biomarker Research, Medical Diagnostic Laboratories, L.L.C.
Classification: Uncertain significance for Hereditary cancer-predisposing syndrome. Last evaluated: 2024-04-09. Review status: criteria provided, single submitter. Criteria: ACMG Guidelines, 2015. Collection method: clinical testing. Allele origin: germline.

All of Us Research Program, National Institutes of Health
Classification: Likely benign for Classic or attenuated familial adenomatous polyposis. Last evaluated: 2023-12-13. Review status: criteria provided, single submitter. Criteria: ACMG Guidelines, 2015. Collection method: clinical testing. Allele origin: germline. Inheritance: Autosomal dominant inheritance. Observed: 11 variant alleles, 11 heterozygotes.
Comment: This study involves interpretation of variants in research participants for the purpose of population health screening. Participant phenotype was not available at the time of variant classification. Additional details can be found in publication PMID: 35346344, PMCID: PMC8962531

Myriad Genetics, Inc.
Classification: Uncertain significance for Familial adenomatous polyposis 1. Last evaluated: 2023-02-15. Review status: criteria provided, single submitter. Criteria: Myriad Autosomal Dominant, Autosomal Recessive and X-Linked Classification Criteria (2023). Collection method: clinical testing. Allele origin: unknown.
Comment: This variant is classified as a variant of uncertain significance as there is insufficient evidence to determine its impact on protein function and/or cancer risk.

St. Jude Molecular Pathology, St. Jude Children's Research Hospital
Classification: Uncertain significance for Familial adenomatous polyposis 1. Last evaluated: 2022-09-28. Review status: criteria provided, single submitter. Criteria: St. Jude Assertion Criteria 2020. Collection method: clinical testing. Allele origin: germline.
Comment: The APC c.277C>G (p.Leu93Val) missense change has a maximum subpopulation frequency of 0.013% in gnomAD v2.1.1. The in silico tool REVEL predicts a benign effect on protein function, but to our knowledge this prediction has not been confirmed by functional studies. To our knowledge, this variant has not been reported in individuals with APC-related familial adenomatous polyposis. In summary, the evidence currently available is insufficient to determine the clinical significance of this variant. It has therefore been classified as of uncertain significance.

Sema4
Classification: Uncertain significance for Hereditary cancer-predisposing syndrome. Last evaluated: 2021-12-22. Review status: criteria provided, single submitter. Criteria: Sema4 Curation Guidelines. Collection method: curation. Allele origin: germline.
Comment: The APC c.277C>G (p.L93V) variant has been reported in an individual testing for suspected Lynch syndrome and another individual with pancreatic cancer (PMID: 25980754, 25479140). It was observed in 17/129176 chromosomes of the Non-Finnish European (NFE) subpopulation, with no homozygotes, in the large and broad cohorts of the Genome Aggregation Database (PMID: 32461654). This variant has been reported in ClinVar (Variation ID 236580). Functional studies have not been performed, and in silico predictions of the variant's effect on protein function are inconclusive. The evidence is insufficient to meet ACMG/AMP criteria for classifying the variant as benign or pathogenic. Thus, the clinical significance of this variant is currently uncertain.

Genetic Services Laboratory, University of Chicago
Classification: Uncertain significance. Last evaluated: 2021-01-15. Review status: criteria provided, single submitter. Criteria: ACMG Guidelines, 2015. Collection method: clinical testing. Allele origin: germline. Affected: no.
Comment: DNA sequence analysis of the APC gene demonstrated a sequence change, c.277C>G, in exon 4 that results in an amino acid change, p.Leu93Val. This sequence change does not appear to have been previously described in patients with APC-related disorders and has been described in the gnomAD database with a frequency of 0.013% in the European sub-population (dbSNP rs201567345). The p.Leu93Val change affects a moderately conserved amino acid residue located in a domain of the APC protein that is not known to be functional. The p.Leu93Val substitution appears to be benign using several in-silico pathogenicity prediction tools (SIFT, PolyPhen2, Align GVGD, REVEL). Due to these contrasting evidences and the lack of functional studies, the clinical significance of the p.Leu93Val change remains unknown at this time.

GeneDx
Classification: Likely benign. Last evaluated: 2020-07-14. Review status: criteria provided, single submitter. Criteria: GeneDx Variant Classification Process June 2021. Collection method: clinical testing. Allele origin: germline. Affected: yes.
Comment: This variant is associated with the following publications: (PMID: 25980754, 25479140)

Ambry Genetics
Classification: Benign for Hereditary cancer-predisposing syndrome. Last evaluated: 2015-08-19. Review status: criteria provided, single submitter. Criteria: Ambry Variant Classification Scheme 2023. Collection method: clinical testing. Allele origin: germline.

PreventionGenetics, part of Exact Sciences
Classification: Uncertain significance for APC-related condition. Last evaluated: 2024-04-02. Review status: no assertion criteria provided. Collection method: clinical testing. Allele origin: germline. Not counted in ClinVar's aggregate classification.
Comment: The APC c.277C>G variant is predicted to result in the amino acid substitution p.Leu93Val. This variant has been identified in an individual with suspected Lynch syndrome (Table S2, Yurgelun et al. 2015. PubMed ID: 25980754) as well as in an individual with pancreatic cancer (Table S1, Grant et al. 2015. PubMed ID: 25479140). This variant is reported in 0.013% of alleles in individuals of European (Non-Finnish) descent in gnomAD and has conflicting interpretations of pathogenicity in ClinVar ranging from benign to uncertain. At this time, the clinical significance of this variant is uncertain due to the absence of conclusive functional and genetic evidence.

Counsyl
Classification: Uncertain significance for Familial adenomatous polyposis 1. Last evaluated: 2017-01-06. Review status: no assertion criteria provided. Collection method: clinical testing. Allele origin: unknown. Not counted in ClinVar's aggregate classification.

Literature cited by the submitters: PubMed 25186627 (cited by Quest Diagnostics Nichols Institute San Juan Capistrano); PubMed 25479140 (cited by Quest Diagnostics Nichols Institute San Juan Capistrano and Sema4); PubMed 25980754 (cited by Quest Diagnostics Nichols Institute San Juan Capistrano and Sema4).

NM_000038.6(APC):c.277C>G (p.Leu93Val)

Gene: APC (APC regulator of Wnt signaling pathway; plus strand). Cytogenetic location: 5q22.2.
Variant type: single nucleotide variant.
Coding change: c.277C>G on transcript NM_000038.6 (MANE Select); coding-DNA position 277, C replaced by G.
Protein change: p.Leu93Val; replaces leucine 93 with valine.
Molecular consequence: missense variant. On other transcripts: 5 prime UTR variant (1).
Genome position (GRCh38, 1-based): chr5:112,767,245, C>G. VCF-style: chr5-112767245-C-G. GRCh37 (hg19) VCF-style: chr5-112102942-C-G.
Other names: c.277C>G, p.Leu93Val (NM_001127510.3, NM_001354895.2, NM_001354896.2 and 2 more transcripts); c.307C>G, p.Leu103Val (NM_001127511.3, NM_001354897.2, NM_001354902.2); c.202C>G, p.Leu68Val (NM_001354898.2, NM_001354904.2); c.100C>G, p.Leu34Val (NM_001354900.2, NM_001354901.2, NM_001354905.2); c.-759C>G (NM_001354906.2); short protein forms L103V, L93V, L34V, L68V.
Identifiers: ClinVar variation 236580 (VCV000236580.36), dbSNP rs201567345, ClinGen allele CA033407.
Genomic context (GRCh38, chr5:112,767,245, plus strand): 5'-TTAGAGCTTAACTTAGATAGCAGTAATTTCCCTGGAGTAAAACTGCGGTCAAAAATGTCC[C>G]TCCGTTCTTATGGAAGCCGGGAAGGATCTGTATCAAGCCGTTCTGGAGAGTGCAGTCCTG-3'
Protein context (NP_000029.2, residues 83-103): PGVKLRSKMS[Leu93Val]RSYGSREGSV